The following is an entry in ClinVar:

NM_001080442.3(SLC38A8):c.1068C>T (p.Thr356=)

Gene: SLC38A8 (solute carrier family 38 member 8; minus strand). Cytogenetic location: 16q23.3.
Variant type: single nucleotide variant.
Coding change: c.1068C>T on transcript NM_001080442.3 (MANE Select); coding-DNA position 1068, C replaced by T.
Protein change: p.Thr356=; no amino-acid change (threonine 356 retained).
Molecular consequence: synonymous variant.
Genome position (GRCh38, 1-based): chr16:84,016,613, G>A on the plus strand (C>T on the coding strand, the complement: SLC38A8 is on the minus strand). VCF-style: chr16-84016613-G-A. GRCh37 (hg19) VCF-style: chr16-84050218-G-A.
Other names: c.1068C>T (NM_001080442.2).
Identifiers: ClinVar variation 1599993 (VCV001599993.11), dbSNP rs13334006, ClinGen allele CA8199804.

ClinVar aggregate classification (germline): Benign. Review status: criteria provided, multiple submitters, no conflicts (2 of 4 stars). 3 submissions from 3 submitters: Benign (2). 1 of the submissions does not count toward it. Last evaluated 2026-01-31.

Conditions:
SLC38A8-related disorder. Also called: SLC38A8-related condition.

Allele frequency attached by ClinVar (database versions not stated): gnomAD 0.05677; gnomAD exomes 0.01413; 1000 Genomes Project 0.05891; TOPMed 0.06012; 1000 Genomes Project 30x 0.06168; ExAC 0.01763; ESP Exome Variant Server 0.06415.
gnomAD v4.1: 16,089 of 1,613,892 alleles (1%); highest among the groups gnomAD compares: African/African-American, 19%; 1,377 homozygotes.

Submissions (3):

Labcorp Genetics (formerly Invitae), Labcorp
Classification: Benign. Last evaluated: 2026-01-31. Review status: criteria provided, single submitter. Criteria: Invitae Variant Classification Sherloc (09022015). Collection method: clinical testing. Allele origin: germline.

Breakthrough Genomics
Classification: Benign. Review status: criteria provided, single submitter. Criteria: ACMG Guidelines, 2015. Collection method: not provided. Allele origin: germline. Inheritance: Autosomal recessive inheritance. Affected: yes.

PreventionGenetics, part of Exact Sciences
Classification: Benign for SLC38A8-related condition. Last evaluated: 2019-03-08. Review status: no assertion criteria provided. Collection method: clinical testing. Allele origin: germline. Not counted in ClinVar's aggregate classification.
Comment: This variant is classified as benign based on ACMG/AMP sequence variant interpretation guidelines (Richards et al. 2015 PMID: 25741868, with internal and published modifications).